The following is an entry in ClinVar:

ClinVar aggregate classification (germline): Uncertain significance. Review status: criteria provided, multiple submitters, no conflicts (2 of 4 stars). 3 submissions from 3 submitters: Uncertain significance (3). Last evaluated 2025-04-04.

Conditions:
Primary ciliary dyskinesia 32. Also called: CILIARY DYSKINESIA, PRIMARY, 32, WITHOUT SITUS INVERSUS. Identifiers: Orphanet 244, MedGen C4225311, MONDO:0014657, OMIM 616481.
Primary ciliary dyskinesia. Also called: Ciliary dyskinesia. Identifiers: Orphanet 244, MedGen C0008780, MONDO:0016575, HP:0012265.
Inborn genetic diseases. Identifiers: MedGen C0950123, MeSH D030342.

Allele frequency attached by ClinVar (database versions not stated): 1000 Genomes Project 30x 0.00016; TOPMed 0.00017; 1000 Genomes Project 0.00020; gnomAD 0.00022 and 0.00025; ESP Exome Variant Server 0.00038.
gnomAD v4.1: 68 of 1,614,160 alleles (0.0042%); highest among the groups gnomAD compares: African/African-American, 0.08%; no homozygotes.

Submissions (3):

Ambry Genetics
Classification: Uncertain significance for Inborn genetic diseases. Last evaluated: 2025-04-04. Review status: criteria provided, single submitter. Criteria: Ambry Variant Classification Scheme 2023. Collection method: clinical testing. Allele origin: germline.

Labcorp Genetics (formerly Invitae), Labcorp
Classification: Uncertain significance for Primary ciliary dyskinesia 32. Last evaluated: 2022-07-12. Review status: criteria provided, single submitter. Criteria: Invitae Variant Classification Sherloc (09022015). Collection method: clinical testing. Allele origin: germline.
Comment: Algorithms developed to predict the effect of missense changes on protein structure and function (SIFT, PolyPhen-2, Align-GVGD) all suggest that this variant is likely to be tolerated. ClinVar contains an entry for this variant (Variation ID: 977576). This variant has not been reported in the literature in individuals affected with RSPH3-related conditions. This variant is present in population databases (rs138781661, gnomAD 0.07%). This sequence change replaces leucine, which is neutral and non-polar, with arginine, which is basic and polar, at codon 503 of the RSPH3 protein (p.Leu503Arg). In summary, the available evidence is currently insufficient to determine the role of this variant in disease. Therefore, it has been classified as a Variant of Uncertain Significance.

UNC Molecular Genetics  Laboratory, University of North Carolina at Chapel Hill
Classification: Uncertain significance for Primary ciliary dyskinesia. Last evaluated: 2018-04-11. Review status: criteria provided, single submitter. Criteria: ACMG Guidelines, 2015. Collection method: clinical testing. Allele origin: germline. Observed: 1 heterozygote.

NM_031924.8(RSPH3):c.1082T>G (p.Leu361Arg)

Gene: RSPH3 (radial spoke head 3; minus strand). Cytogenetic location: 6q25.3.
Variant type: single nucleotide variant.
Coding change: c.1082T>G on transcript NM_031924.8 (MANE Select); coding-DNA position 1082, T replaced by G.
Protein change: p.Leu361Arg; replaces leucine 361 with arginine.
Molecular consequence: missense variant. On other transcripts: non-coding transcript variant (1).
Genome position (GRCh38, 1-based): chr6:158,977,713, A>C on the plus strand (T>G on the coding strand, the complement: RSPH3 is on the minus strand). VCF-style: chr6-158977713-A-C. GRCh37 (hg19) VCF-style: chr6-159398745-A-C.
Other names: c.1220T>G, p.Leu407Arg (NM_001346418.1); short protein forms L361R, L407R.
Identifiers: ClinVar variation 977576 (VCV000977576.9), dbSNP rs138781661, ClinGen allele CA4075720.